The following is an entry in ClinVar:

NM_031433.4(MFRP):c.*235G>A

Genes: C1QTNF5 (C1q and TNF related 5; minus strand), MFRP (membrane frizzled-related protein; minus strand). Cytogenetic location: 11q23.3.
Variant type: single nucleotide variant.
Coding change: c.*235G>A on transcript NM_031433.4 (MANE Select); 235 bases downstream of the stop codon, G replaced by A.
Molecular consequence: 3 prime UTR variant. On other transcripts: 5 prime UTR variant (1).
Genome position (GRCh38, 1-based): chr11:119,341,313, C>T on the plus strand (G>A on the coding strand, the complement: MFRP is on the minus strand). VCF-style: chr11-119341313-C-T. GRCh37 (hg19) VCF-style: chr11-119212023-C-T.
Other names: c.-662G>A (NM_015645.5).
Identifiers: ClinVar variation 302943 (VCV000302943.10), dbSNP rs377666251, ClinGen allele CA10638009.

ClinVar aggregate classification (germline): Benign/Likely benign. Review status: criteria provided, multiple submitters, no conflicts (2 of 4 stars). 4 submissions from 3 submitters: Benign (1); Likely benign (3). Last evaluated 2025-06-25.

Conditions:
MFRP-related disorder. Also called: MFRP-related condition; MFRP-related disorders.
Isolated microphthalmia 5. Also called: Posterior Microphthalmia with Retinitis Pigmentosa, Foveoschisis, and Optic Disc Drusen. Identifiers: Orphanet 251279, MedGen C1970236, MONDO:0012605, OMIM 611040.
Late-onset retinal degeneration (LORD). Also called: RETINAL DEGENERATION, LATE-ONSET, AUTOSOMAL DOMINANT. Identifiers: Orphanet 67042, MedGen C1854065, MONDO:0011579, OMIM 605670. Disease mechanism: loss of function.

Allele frequency attached by ClinVar (database versions not stated): gnomAD 0.00177 and 0.00016; TOPMed 0.00037; 1000 Genomes Project 30x 0.01421; 1000 Genomes Project 0.01378.
gnomAD v4.1: 2,092 of 575,568 alleles (0.36%); highest among the groups gnomAD compares: South Asian, 4.3%; 67 homozygotes.

Submissions (4):

PreventionGenetics, part of Exact Sciences
Classification: Likely benign for MFRP-related condition. Last evaluated: 2025-06-25. Review status: criteria provided, single submitter. Criteria: ACMG Guidelines, 2015. Collection method: clinical testing. Allele origin: germline.
Comment: This variant is classified as likely benign based on ACMG/AMP sequence variant interpretation guidelines (Richards et al. 2015 PMID: 25741868, with internal and published modifications).

Illumina Laboratory Services, Illumina
Classification: Likely benign for Isolated microphthalmia 5. Last evaluated: 2018-01-12. Review status: criteria provided, single submitter. Criteria: ICSL Variant Classification Criteria 13 December 2019. Collection method: clinical testing. Allele origin: germline.
Comment: This variant was observed in the ICSL laboratory as part of a predisposition screen in an ostensibly healthy population. It had not been previously curated by ICSL or reported in the Human Gene Mutation Database (HGMD: prior to June 1st, 2018), and was therefore a candidate for classification through an automated scoring system. Utilizing variant allele frequency, disease prevalence and penetrance estimates, and inheritance mode, an automated score was calculated to assess if this variant is too frequent to cause the disease. Based on the score and internal cut-off values, a variant classified as likely benign is not then subjected to further curation. The score for this variant resulted in a classification of likely benign for this disease.

Illumina Laboratory Services, Illumina
Classification: Benign for Late-onset retinal degeneration. Last evaluated: 2018-01-12. Review status: criteria provided, single submitter. Criteria: ICSL Variant Classification Criteria 13 December 2019. Collection method: clinical testing. Allele origin: germline.
Comment: This variant was observed in the ICSL laboratory as part of a predisposition screen in an ostensibly healthy population. It had not been previously curated by ICSL or reported in the Human Gene Mutation Database (HGMD: prior to June 1st, 2018), and was therefore a candidate for classification through an automated scoring system. Utilizing variant allele frequency, disease prevalence and penetrance estimates, and inheritance mode, an automated score was calculated to assess if this variant is too frequent to cause the disease. Based on the score and internal cut-off values, a variant classified as benign is not then subjected to further curation. The score for this variant resulted in a classification of benign for this disease.

Breakthrough Genomics
Classification: Likely benign. Review status: criteria provided, single submitter. Criteria: ACMG Guidelines, 2015. Collection method: not provided. Allele origin: germline. Inheritance: Autosomal recessive inheritance. Affected: yes.